The following is an entry in ClinVar:

NM_001195518.2(MICU1):c.736-177A>C

Gene: MICU1 (mitochondrial calcium uptake 1; minus strand). Cytogenetic location: 10q22.1.
Variant type: single nucleotide variant.
Coding change: c.736-177A>C on transcript NM_001195518.2 (MANE Select); 177 bases into the intron before coding-DNA position 736, A replaced by C.
Molecular consequence: intron variant.
Genome position (GRCh38, 1-based): chr10:72,475,474, T>G on the plus strand (A>C on the coding strand, the complement: MICU1 is on the minus strand). VCF-style: chr10-72475474-T-G. GRCh37 (hg19) VCF-style: chr10-74235232-T-G.
Other names: c.742-177A>C (NM_006077.4); c.754-177A>C (NM_001363513.2); c.142-177A>C (NM_001195519.2).
Identifiers: ClinVar variation 667499 (VCV000667499.1), dbSNP rs915433, ClinGen allele CA13159792.

ClinVar aggregate classification (germline): Benign (1 of 4 stars; one submission).

Allele frequency attached by ClinVar (database versions not stated): 1000 Genomes Project 0.57947; 1000 Genomes Project 30x 0.58994; gnomAD 0.66930 and 0.68136; TOPMed 0.67905.
gnomAD v4.1: 101,188 of 151,284 alleles (67%); highest among the groups gnomAD compares: African/African-American, 82%; 35,194 homozygotes.

Submission:

GeneDx
Classification: Benign. Last evaluated: 2018-06-14. Review status: criteria provided, single submitter. Criteria: GeneDx Variant Classification (06012015). Collection method: clinical testing. Allele origin: germline. Affected: yes.
Comment: This variant is considered likely benign or benign based on one or more of the following criteria: it is a conservative change, it occurs at a poorly conserved position in the protein, it is predicted to be benign by multiple in silico algorithms, and/or has population frequency not consistent with disease.